The following is an entry in ClinVar:

NM_001330078.2(NRXN1):c.536C>T (p.Pro179Leu)

Gene: NRXN1 (neurexin 1; minus strand). Cytogenetic location: 2p16.3.
Variant type: single nucleotide variant.
Coding change: c.536C>T on transcript NM_001330078.2 (MANE Select); coding-DNA position 536, C replaced by T.
Protein change: p.Pro179Leu; replaces proline 179 with leucine.
Molecular consequence: missense variant.
Genome position (GRCh38, 1-based): chr2:51,027,738, G>A on the plus strand (C>T on the coding strand, the complement: NRXN1 is on the minus strand). VCF-style: chr2-51027738-G-A. GRCh37 (hg19) VCF-style: chr2-51254876-G-A.
Other names: c.536C>T, p.Pro179Leu (NM_001135659.3, NM_001330077.2, NM_001330079.2 and 15 more transcripts); short protein forms P179L.
Identifiers: ClinVar variation 642453 (VCV000642453.12), dbSNP rs777080356, ClinGen allele CA1655462.
Genomic context (GRCh38, chr2:51,027,738, plus strand): 5'-CTGTCCACGGGCAGGACCTGCGAGGAGTTGACCCTCACGTCACGAATCCACCCCTTGAAG[G>A]GCTCCCGCTCCCTCACCGAGGCCAGGGTGAGCTTGAGCGCCGCGGCGCGCAGTTCCGGGG-3'
Protein context (NP_001317007.1, residues 169-189): LTLASVRERE[Pro179Leu]FKGWIRDVRV

ClinVar aggregate classification (germline): Uncertain significance. Review status: criteria provided, multiple submitters, no conflicts (2 of 4 stars). 2 submissions from 2 submitters: Uncertain significance (2). Last evaluated 2022-08-31.

Conditions:
Pitt-Hopkins-like syndrome 2 (PTHSL2). Identifiers: Orphanet 221150, Orphanet 600663, MedGen C3280479, MONDO:0013690, OMIM 614325.

Allele frequency attached by ClinVar (database versions not stated): gnomAD exomes below 0.00001 and 0.00001; ExAC 0.00001; TOPMed 0.00001.
gnomAD v4.1: 18 of 1,611,456 alleles (0.0011%); highest among the groups gnomAD compares: Middle Eastern, 0.017%; 1 homozygote.

Submissions (2):

Labcorp Genetics (formerly Invitae), Labcorp
Classification: Uncertain significance for Pitt-Hopkins-like syndrome 2. Last evaluated: 2022-08-31. Review status: criteria provided, single submitter. Criteria: Invitae Variant Classification Sherloc (09022015). Collection method: clinical testing. Allele origin: germline.
Comment: This sequence change replaces proline, which is neutral and non-polar, with leucine, which is neutral and non-polar, at codon 179 of the NRXN1 protein (p.Pro179Leu). This variant is present in population databases (rs777080356, gnomAD 0.003%). In summary, the available evidence is currently insufficient to determine the role of this variant in disease. Therefore, it has been classified as a Variant of Uncertain Significance. Algorithms developed to predict the effect of missense changes on protein structure and function (SIFT, PolyPhen-2, Align-GVGD) all suggest that this variant is likely to be tolerated. ClinVar contains an entry for this variant (Variation ID: 642453). This variant has not been reported in the literature in individuals affected with NRXN1-related conditions.

GeneDx
Classification: Uncertain significance. Last evaluated: 2021-06-09. Review status: criteria provided, single submitter. Criteria: GeneDx Variant Classification Process June 2021. Collection method: clinical testing. Allele origin: germline. Affected: yes.
Comment: Has not been previously published as pathogenic or benign to our knowledge; Not observed at significant frequency in large population cohorts (Lek et al., 2016); In silico analysis supports that this missense variant has a deleterious effect on protein structure/function; This variant is associated with the following publications: (PMID: 27535533, 19896112, 21424692)